The following is an entry in ClinVar:

ClinVar aggregate classification (germline): Likely benign. Review status: criteria provided, multiple submitters, no conflicts (2 of 4 stars). 5 submissions from 5 submitters: Likely benign (3). 2 of the submissions do not count toward it. Last evaluated 2025-11-13.

Conditions:
History of neurodevelopmental disorder. Identifiers: MedGen C2711754.
GRIN2A-related complex neurodevelopmental disorder. Also called: GRIN2A-related condition; GRIN2A-related disorder. Identifiers: MedGen CN379781, MONDO:1060139.
Landau-Kleffner syndrome (FESD). Also called: APHASIA, ACQUIRED, WITH EPILEPSY; EPILEPSY, FOCAL, WITH SPEECH DISORDER AND WITH OR WITHOUT MENTAL RETARDATION. Identifiers: Orphanet 1945, Orphanet 725, Orphanet 98818, MedGen C0282512, MONDO:0009509, OMIM 245570.

Allele frequency attached by ClinVar (database versions not stated): ESP Exome Variant Server 0.00015; 1000 Genomes Project 30x 0.00016; gnomAD 0.00019 and 0.00023; 1000 Genomes Project 0.00020; gnomAD exomes 0.00001 and 0.00003; ExAC 0.00002; TOPMed 0.00020.
gnomAD v4.1: 53 of 1,614,110 alleles (0.0033%); highest among the groups gnomAD compares: African/African-American, 0.064%; no homozygotes.

Submissions (5):

Labcorp Genetics (formerly Invitae), Labcorp
Classification: Likely benign for Landau-Kleffner syndrome. Last evaluated: 2025-11-13. Review status: criteria provided, single submitter. Criteria: Invitae Variant Classification Sherloc (09022015). Collection method: clinical testing. Allele origin: germline.

GeneDx
Classification: Likely benign. Last evaluated: 2021-01-18. Review status: criteria provided, single submitter. Criteria: GeneDx Variant Classification Process June 2021. Collection method: clinical testing. Allele origin: germline. Affected: yes.

Ambry Genetics
Classification: Likely benign for History of neurodevelopmental disorder. Last evaluated: 2017-05-15. Review status: criteria provided, single submitter. Criteria: Ambry Autosomal Dominant and X-Linked criteria (3/2017). Collection method: clinical testing. Allele origin: germline. Observed: 1 variant allele.
Comment: Synonymous alterations with insufficient evidence to classify as benign

PreventionGenetics, part of Exact Sciences
Classification: Likely benign for GRIN2A-related condition. Last evaluated: 2021-11-01. Review status: no assertion criteria provided. Collection method: clinical testing. Allele origin: germline. Not counted in ClinVar's aggregate classification.
Comment: This variant is classified as likely benign based on ACMG/AMP sequence variant interpretation guidelines (Richards et al. 2015 PMID: 25741868, with internal and published modifications).

Psychiatry Genetics Yale University
No classification provided. Review status: no classification provided. Collection method: not provided. Allele origin: not provided. Not counted in ClinVar's aggregate classification.

NM_001134407.3(GRIN2A):c.2202C>G (p.Val734=)

Gene: GRIN2A (glutamate ionotropic receptor NMDA type subunit 2A; minus strand). Cytogenetic location: 16p13.2.
Variant type: single nucleotide variant.
Coding change: c.2202C>G on transcript NM_001134407.3 (MANE Select); coding-DNA position 2202, C replaced by G.
Protein change: p.Val734=; no amino-acid change (valine 734 retained).
Molecular consequence: synonymous variant.
Genome position (GRCh38, 1-based): chr16:9,798,431, G>C on the plus strand (C>G on the coding strand, the complement: GRIN2A is on the minus strand). VCF-style: chr16-9798431-G-C. GRCh37 (hg19) VCF-style: chr16-9892288-G-C.
Other names: c.2202C>G, p.Val734= (NM_000833.5, NM_001134408.2).
Identifiers: ClinVar variation 98467 (VCV000098467.19), dbSNP rs367543138, ClinGen allele CA225885.